The following is an entry in ClinVar:

ClinVar aggregate classification (germline): Benign/Likely benign. Review status: criteria provided, multiple submitters, no conflicts (2 of 4 stars). 4 submissions from 4 submitters: Benign (1); Likely benign (3). Last evaluated 2024-02-23.

Conditions:
Familial adenomatous polyposis 1 (FAP1). Also called: POLYPOSIS, ADENOMATOUS INTESTINAL; FAMILIAL ADENOMATOUS POLYPOSIS 1, ATTENUATED. Identifiers: MedGen C2713442, MONDO:0021056, OMIM 175100. Disease mechanism: loss of function.
Hereditary cancer-predisposing syndrome. Also called: Hereditary Cancer Syndrome; Neoplastic Syndromes, Hereditary; Tumor predisposition; Hereditary neoplastic syndrome. Identifiers: Orphanet 140162, MedGen C0027672, MeSH D009386, MONDO:0015356.

Allele frequency attached by ClinVar (database versions not stated): gnomAD exomes below 0.00001.
gnomAD v4.1: 1 of 1,607,964 alleles (0.000062%); highest among the groups gnomAD compares: Non-Finnish European, 0.000085%; no homozygotes.

Submissions (4):

Myriad Genetics, Inc.
Classification: Benign for Familial adenomatous polyposis 1. Last evaluated: 2024-02-23. Review status: criteria provided, single submitter. Criteria: Myriad Autosomal Dominant, Autosomal Recessive and X-Linked Classification Criteria (2023). Collection method: clinical testing. Allele origin: unknown.
Comment: This variant is considered benign. This variant is a silent/synonymous amino acid change and it is not expected to impact splicing.

Labcorp Genetics (formerly Invitae), Labcorp
Classification: Likely benign for Familial adenomatous polyposis 1. Last evaluated: 2022-06-04. Review status: criteria provided, single submitter. Criteria: Invitae Variant Classification Sherloc (09022015). Collection method: clinical testing. Allele origin: germline.

Ambry Genetics
Classification: Likely benign for Hereditary cancer-predisposing syndrome. Last evaluated: 2020-02-13. Review status: criteria provided, single submitter. Criteria: Ambry Variant Classification Scheme 2023. Collection method: clinical testing. Allele origin: germline.

Color Diagnostics, LLC DBA Color Health
Classification: Likely benign for Hereditary cancer-predisposing syndrome. Last evaluated: 2017-01-17. Review status: criteria provided, single submitter. Criteria: ACMG Guidelines, 2015. Collection method: clinical testing. Allele origin: germline.

NM_000038.6(APC):c.483A>G (p.Gln161=)

Gene: APC (APC regulator of Wnt signaling pathway; plus strand). Cytogenetic location: 5q22.2.
Variant type: single nucleotide variant.
Coding change: c.483A>G on transcript NM_000038.6 (MANE Select); coding-DNA position 483, A replaced by G.
Protein change: p.Gln161=; no amino-acid change (glutamine 161 retained).
Molecular consequence: synonymous variant. On other transcripts: 5 prime UTR variant (1).
Genome position (GRCh38, 1-based): chr5:112,775,689, A>G. VCF-style: chr5-112775689-A-G. GRCh37 (hg19) VCF-style: chr5-112111386-A-G.
Other names: c.483A>G, p.Gln161= (NM_001127510.3, NM_001354895.2, NM_001354896.2 and 2 more transcripts); c.513A>G, p.Gln171= (NM_001127511.3, NM_001354897.2, NM_001354902.2); c.408A>G, p.Gln136= (NM_001354898.2, NM_001354904.2); c.306A>G, p.Gln102= (NM_001354900.2, NM_001354901.2, NM_001354905.2); c.-553A>G (NM_001354906.2).
Identifiers: ClinVar variation 490287 (VCV000490287.17), dbSNP rs1554071578, ClinGen allele CA445753054.